The following is an entry in ClinVar:

NM_007294.4(BRCA1):c.4357+6T>C

Gene: BRCA1 (BRCA1 DNA repair associated; minus strand). Cytogenetic location: 17q21.31.
Variant type: single nucleotide variant.
Coding change: c.4357+6T>C on transcript NM_007294.4 (MANE Select); 6 bases into the intron after coding-DNA position 4357, T replaced by C.
Molecular consequence: intron variant.
Genome position (GRCh38, 1-based): chr17:43,082,398, A>G on the plus strand (T>C on the coding strand, the complement: BRCA1 is on the minus strand). VCF-style: chr17-43082398-A-G. GRCh37 (hg19) VCF-style: chr17-41234415-A-G.
Other names: IVS13+6T>C; c.4228+6T>C (NM_001407685.1, NM_001407690.1, NM_001407687.1 and 2 more transcripts); c.4231+6T>C (NM_001407688.1, NM_001407940.1, NM_001407671.1 and 12 more transcripts); c.1042+6T>C (NM_001408401.1, NM_001408407.1, NM_001408402.1 and 1 more transcripts); c.1045+6T>C (NM_001408396.1, NM_001407985.1, NM_001408404.1 and 18 more transcripts); c.4351+6T>C (NM_001407644.1, NM_001407627.1, NM_001407631.1 and 5 more transcripts); c.4354+6T>C (NM_001407861.1, NM_001407635.1, NM_001407614.1 and 21 more transcripts); c.808+6T>C (NM_001408494.1); and 52 more.
Identifiers: ClinVar variation 37585 (VCV000037585.27), dbSNP rs80358143, ClinGen allele CA002793.

ClinVar aggregate classification (germline): Conflicting classifications of pathogenicity. Review status: criteria provided, conflicting classifications (1 of 4 stars). 12 submissions from 12 submitters: Pathogenic (7); Uncertain significance (3). 2 of the submissions do not count toward it. Last evaluated 2026-04-29.

Conditions:
Inherited breast cancer and ovarian cancer.
Hereditary cancer-predisposing syndrome. Also called: Tumor predisposition; Neoplastic Syndromes, Hereditary; Hereditary Cancer Syndrome; Hereditary neoplastic syndrome. Identifiers: Orphanet 140162, MedGen C0027672, MeSH D009386, MONDO:0015356.
Hereditary breast ovarian cancer syndrome. Also called: Hereditary breast and ovarian cancer syndrome (HBOC); Hereditary breast and ovarian cancer syndrome; Hereditary breast and ovarian cancer; Hereditary breast and/or ovarian cancer syndrome; Breast and ovarian cancer; BRCA1- and BRCA2-Associated Hereditary Breast and Ovarian Cancer. Identifiers: Orphanet 145, MedGen C0677776, MeSH D061325, MONDO:0003582. Disease mechanism: loss of function.
Breast-ovarian cancer, familial, susceptibility to, 1 (BROVCA1). Also called: OVARIAN CANCER, SUSCEPTIBILITY TO; BRCA1 Hereditary Breast and Ovarian Cancer. Identifiers: Orphanet 145, MedGen C2676676, MONDO:0011450, OMIM 604370. Disease mechanism: loss of function.

Allele frequency attached by ClinVar (database versions not stated): gnomAD exomes below 0.00001.
gnomAD v4.1: 4 of 1,613,382 alleles (0.00025%); highest among the groups gnomAD compares: Non-Finnish European, 0.00034%; no homozygotes.

Submissions (12):

Genomics and Molecular Medicine Service, East Genomic Laboratory Hub, NHS Genomic Medicine Service
Classification: Pathogenic for Inherited breast cancer and ovarian cancer. Last evaluated: 2026-04-29. Review status: criteria provided, single submitter. Criteria: ACGS Best Practice Guidelines for Variant Classification in Rare Disease 2020. Collection method: clinical testing. Allele origin: germline. Affected: yes.
Comment: PVS1_Strong,PS4_Very Strong,PM2_Supporting

Quest Diagnostics Nichols Institute San Juan Capistrano
Classification: Uncertain significance. Last evaluated: 2025-11-04. Review status: criteria provided, single submitter. Criteria: Quest Diagnostics criteria. Collection method: clinical testing. Allele origin: unknown.
Comment: The BRCA1 c.4357+6T>C variant has been reported in the published literature in multiple individuals and families with breast and/or ovarian cancer (PMIDs: 39550490 (2024), 38355628 (2024), 32614418 (2020), 30586678 (2019), 29337092 (2018)). This variant has not been reported in large, multi-ethnic general populations (Genome Aggregation Database). Analysis of this variant using software algorithms for the prediction of the effect of nucleotide changes on splicing yielded predictions that this variant does not affect BRCA1 mRNA splicing; however, several RNA studies have shown that this variant causes exon 12 skipping, resulting in a premature stop codon (PMIDs: 32123317 (2020), 30586678 (2019), 7493024 (1995)). Based on the available information, we are unable to determine the clinical significance of this variant.

Ambry Genetics
Classification: Uncertain significance for Hereditary cancer-predisposing syndrome. Last evaluated: 2024-12-12. Review status: criteria provided, single submitter. Criteria: Ambry Variant Classification Scheme 2023. Collection method: clinical testing. Allele origin: germline.
Comment: The c.4357+6T>C intronic variant results from a T to C substitution 6 nucleotides after coding exon 11 in the BRCA1 gene. In one study, this alteration was detected in 1/32 HBOC families, a family with a history of 2 cases of breast cancer and 2 cases of ovarian cancer (Gayther SA et al. Nat Genet, 1995 Dec;11:428-33). This same study also reported that this alteration was detected in 8/16600 families submitted for cancer testing to Public Health England and in an additional 11 affected probands in the UK DMuDB database (Smith MJ et al. Clin Genet, 2019 Apr;95:532-533). This nucleotide position is well conserved in available vertebrate species. In silico splice site analysis predicts that this alteration will not have any significant effect on splicing, however RNA studies have demonstrated that this alteration results in incomplete skipping of coding exon 11 (Smith MJ et al. Clin Genet, 2019 Apr;95:532-533; Wai HA et al. Genet Med, 2020 Jun;22:1005-1014), where 85-90% of splicing from the variant allele was estimated to be aberrant (Smith MJ et al. Clin Genet, 2019 Apr;95:532-533). In addition, internal RNA studies have also demonstrated that this alteration results in a splice defect; the clinical impact of this abnormal splicing is unknown at this time (Ambry internal data). Based on the available evidence, the clinical significance of this variant remains unclear.

Molecular Pathology, Peter Maccallum Cancer Centre
Classification: Pathogenic for Breast-ovarian cancer, familial, susceptibility to, 1. Last evaluated: 2024-09-02. Review status: criteria provided, single submitter. Criteria: ACMG Guidelines, 2015. Collection method: clinical testing. Allele origin: germline. Inheritance: Autosomal dominant inheritance.

Clinical Genetics Laboratory, Skane University Hospital Lund
Classification: Pathogenic. Last evaluated: 2022-05-27. Review status: criteria provided, single submitter. Criteria: ACMG Guidelines, 2015. Collection method: clinical testing. Allele origin: germline. Affected: yes.

Labcorp Genetics (formerly Invitae), Labcorp
Classification: Uncertain significance for Hereditary breast ovarian cancer syndrome. Last evaluated: 2021-07-26. Review status: criteria provided, single submitter. Criteria: Invitae Variant Classification Sherloc (09022015). Collection method: clinical testing. Allele origin: germline.
Comment: In summary, the available evidence is currently insufficient to determine the role of this variant in disease. Therefore, it has been classified as a Variant of Uncertain Significance. Nucleotide substitutions within the consensus splice site are a relatively common cause of aberrant splicing (PMID: 17576681, 9536098). Studies have shown that this variant results in skipping of exon 12 (also called exon 13), which introduces a premature termination codon (PMID: 7493024, 30586678, 32123317). The resulting mRNA is expected to undergo nonsense-mediated decay. ClinVar contains an entry for this variant (Variation ID: 37585). This variant is also known as 4476+6T>C. This variant has been observed in individual(s) with breast cancer and/or ovarian cancer (PMID: 7493024, 30586678). This variant is not present in population databases (ExAC no frequency). This sequence change falls in intron 12 of the BRCA1 gene. It does not directly change the encoded amino acid sequence of the BRCA1 protein. RNA analysis indicates that this variant induces altered splicing and may result in an absent or disrupted protein product.

Genetics and Molecular Pathology, SA Pathology
Classification: Pathogenic for Breast-ovarian cancer, familial, susceptibility to, 1. Last evaluated: 2020-09-16. Review status: criteria provided, single submitter. Criteria: ACMG Guidelines, 2015. Collection method: clinical testing. Allele origin: germline. Inheritance: Autosomal dominant inheritance. Affected: no.

Color Diagnostics, LLC DBA Color Health
Classification: Pathogenic for Hereditary cancer-predisposing syndrome. Last evaluated: 2020-03-19. Review status: criteria provided, single submitter. Criteria: ACMG Guidelines, 2015. Collection method: clinical testing. Allele origin: germline.
Comment: This variant causes a T to C nucleotide substitution at the +6 position of intron 12 of the BRCA1 gene. Functional RNA studies have shown that this variant causes out-of-frame exclusion of exon 12, resulting in a frameshift and a premature stop codon (PMID: 7493024, 30586678). Abnormal splicing affected 85-90% of the variant allele (PMID: 30586678). This variant has been reported in multiple families affected with breast and/or ovarian cancers (PMID: 7493024, 17688236, 29337092, 30586678). This variant has not been identified in the general population by the Genome Aggregation Database (gnomAD). Loss of BRCA1 function is a known mechanism of disease. Based on the available evidence, this variant is classified as Pathogenic.

Cancer Variant Interpretation Group UK, Institute of Cancer Research, London
Classification: Pathogenic for Hereditary Breast and Ovarian Cancer. Last evaluated: 2018-10-31. Review status: criteria provided, single submitter. Criteria: ACMG Guidelines, 2015. Collection method: clinical testing. Allele origin: germline. Affected: yes. Observed: 19 variant alleles.
Comment: Data used in classification: The variant was observed in 8 independent UK families undergoing clinical diagnostic testing, the denominator of which dataset of clinical testing was 16,600. Case control comparison against ethnically matched population data (8/16,600 in familial cases against 0/63,369 GNOMAD NFE controls pexact= 3e-06). At least 11 additional families have been identified in the UK (source DMuDB, these are not included in the previous dataset).There are additional reports of this variant on ClinVar. In the remainder of the GNOMAD populations (75,263 individuals), the frequency of this variant is 0. mRNA analysis of 2 patient samples and 5 controls was performed in a UK diagnostic laboratory on puromycin treated short term PHA stimulated lymphocyte cultures which showed that approx. 42.5% of the total RNA product was abnormally spliced excluding the whole of BRCA1 exon 12 resulting in disruption of the reading frame with incorporation of premature STOP codon at the start of BRAC1 exon 13. Skipping of exon13 (172 bases; out of frame) is also reported in Walker et al. Human Mutation 2013 and Gayther et al 1995 Nat Genet. PMID:7493024.. Additional data (not used in classification): Of note, insilico predictions of splicing effect for this variant were not strong (% change MaxEnt Score: -5.05, % change NNS Score: -6.95). The four UK families for whom pedigree data were available had a strong pattern of HBOC (Manchester score 20, 31, 25, 33). Additional samples from affected individual were not available for segregation analyses.

Consortium of Investigators of Modifiers of BRCA1/2 (CIMBA), c/o University of Cambridge
Classification: Pathogenic for Breast-ovarian cancer, familial, susceptibility to, 1. Last evaluated: 2015-10-02. Review status: criteria provided, single submitter. Criteria: CIMBA Mutation Classification guidelines May 2016. Collection method: clinical testing. Allele origin: germline.

Sharing Clinical Reports Project (SCRP)
Classification: Uncertain significance for Breast-ovarian cancer, familial 1. Last evaluated: 2006-10-06. Review status: no assertion criteria provided. Collection method: clinical testing. Allele origin: germline. Not counted in ClinVar's aggregate classification.

Breast Cancer Information Core (BIC) (BRCA1)
Classification: Uncertain significance for Breast-ovarian cancer, familial 1. Last evaluated: 1999-06-22. Review status: no assertion criteria provided. Collection method: clinical testing. Allele origin: unknown. Affected: yes. Observed: 1 variant allele. Not counted in ClinVar's aggregate classification.

Literature cited by the submitters: PubMed 7493024 (cited by 3 submitters); PubMed 29337092 (cited by Quest Diagnostics Nichols Institute San Juan Capistrano); PubMed 32614418 (cited by Quest Diagnostics Nichols Institute San Juan Capistrano); PubMed 32123317 (cited by 3 submitters); PubMed 39550490 (cited by Quest Diagnostics Nichols Institute San Juan Capistrano); PubMed 30586678 (cited by 3 submitters); PubMed 38355628 (cited by Quest Diagnostics Nichols Institute San Juan Capistrano); PubMed 17576681 (cited by Labcorp Genetics (formerly Invitae), Labcorp); PubMed 9536098 (cited by Labcorp Genetics (formerly Invitae), Labcorp).